The following is an entry in ClinVar:

NM_000384.3(APOB):c.6057A>G (p.Leu2019=)

Gene: APOB (apolipoprotein B; minus strand). Cytogenetic location: 2p24.1.
Variant type: single nucleotide variant.
Coding change: c.6057A>G on transcript NM_000384.3 (MANE Select); coding-DNA position 6057, A replaced by G.
Protein change: p.Leu2019=; no amino-acid change (leucine 2019 retained).
Molecular consequence: synonymous variant.
Genome position (GRCh38, 1-based): chr2:21,010,811, T>C on the plus strand (A>G on the coding strand, the complement: APOB is on the minus strand). VCF-style: chr2-21010811-T-C. GRCh37 (hg19) VCF-style: chr2-21233683-T-C.
Other names: c.6057A>G (NM_000384.2).
Identifiers: ClinVar variation 2929449 (VCV002929449.6), dbSNP rs1663292441, ClinGen allele CA425346138.
Genomic context (GRCh38, chr2:21,010,811, plus strand): 5'-AGCATCAATGATATTGATGGGCTCACTGAGTAAAAGTGGCACTTTAATTGGGGAGTCTAG[T>C]AGAGTTAGGTCAGCCAGAGTTCGTCCAGTAAGCTCCACGCCAATTTTATCTTTAGTGTTG-3'
Protein context (NP_000375.3, residues 2009-2029): LTGRTLADLT[Leu2019=]LDSPIKVPLL

ClinVar aggregate classification (germline): Conflicting classifications of pathogenicity. Review status: criteria provided, conflicting classifications (1 of 4 stars). 3 submissions from 3 submitters: Uncertain significance (1); Likely benign (1). 1 of the submissions does not count toward it. Last evaluated 2024-04-25.

Conditions:
APOB-related disorder. Also called: APOB-related condition; APOB-related disorders.
Hypercholesterolemia, autosomal dominant, type B (FHCL2). Also called: APOB-Related Familial Hypercholesterolemia, Autosomal Dominant; Familial Hypercholesterolemia Type B; APOLIPOPROTEIN B-100, FAMILIAL DEFECTIVE; APOLIPOPROTEIN B-100, FAMILIAL LIGAND-DEFECTIVE; HYPERCHOLESTEROLEMIA, FAMILIAL, DUE TO LIGAND-DEFECTIVE APOLIPOPROTEIN B; Hyperlipoproteinemia Type IIb. Identifiers: MedGen C1704417, MONDO:0007751, OMIM 144010.
Familial hypobetalipoproteinemia 1. Also called: Hypobetalipoproteinemia, normotriglyceridemic; Acanthocytosis with hypobetalipoproteinemia; APOB-Related Familial Hypobetalipoproteinemia. Identifiers: MedGen C4551990, MONDO:0014252, OMIM 615558.

Allele frequency attached by ClinVar (database versions not stated): gnomAD exomes below 0.00001.
gnomAD v4.1: 1 of 1,614,106 alleles (0.000062%); highest among the groups gnomAD compares: African/African-American, 0.0013%; no homozygotes.

Submissions (3):

Labcorp Genetics (formerly Invitae), Labcorp
Classification: Likely benign for Familial hypobetalipoproteinemia 1; Hypercholesterolemia, autosomal dominant, type B. Last evaluated: 2024-04-25. Review status: criteria provided, single submitter. Criteria: Invitae Variant Classification Sherloc (09022015). Collection method: clinical testing. Allele origin: germline.

Quest Diagnostics Nichols Institute San Juan Capistrano
Classification: Uncertain significance. Last evaluated: 2024-04-03. Review status: criteria provided, single submitter. Criteria: Quest Diagnostics criteria. Collection method: clinical testing. Allele origin: unknown.
Comment: The APOB c.6057A>G (p.Leu2019=) synonymous variant has not been reported in individuals with APOB-related conditions in the published literature. It also has not been reported in large, multi-ethnic general populations (Genome Aggregation Database). Analysis of this variant using software algorithms for the prediction of the effect of nucleotide changes on splicing yielded predictions that this variant does not affect APOB mRNA splicing. Based on the available information, we are unable to determine the clinical significance of this variant.

PreventionGenetics, part of Exact Sciences
Classification: Likely benign for APOB-related condition. Last evaluated: 2019-09-05. Review status: no assertion criteria provided. Collection method: clinical testing. Allele origin: germline. Not counted in ClinVar's aggregate classification.
Comment: This variant is classified as likely benign based on ACMG/AMP sequence variant interpretation guidelines (Richards et al. 2015 PMID: 25741868, with internal and published modifications).